The following is an entry in ClinVar:

NM_007294.4(BRCA1):c.3729G>T (p.Arg1243Ser)

Genes: BRCA1 (BRCA1 DNA repair associated; minus strand), LOC126862571 (BRD4-independent group 4 enhancer GRCh37_chr17:41243136-41244335; plus strand). Cytogenetic location: 17q21.31.
Variant type: single nucleotide variant.
Coding change: c.3729G>T on transcript NM_007294.4 (MANE Select); coding-DNA position 3729, G replaced by T.
Protein change: p.Arg1243Ser; replaces arginine 1243 with serine.
Molecular consequence: missense variant. On other transcripts: intron variant (135).
Genome position (GRCh38, 1-based): chr17:43,091,802, C>A on the plus strand (G>T on the coding strand, the complement: BRCA1 is on the minus strand). VCF-style: chr17-43091802-C-A. GRCh37 (hg19) VCF-style: chr17-41243819-C-A.
Other names: c.3516G>T, p.Arg1172Ser (NM_001407571.1, NM_001407853.1, NM_001407894.1 and 9 more transcripts); c.3729G>T, p.Arg1243Ser (NM_001407581.1, NM_001407582.1, NM_001407583.1 and 30 more transcripts); c.3726G>T, p.Arg1242Ser (NM_001407587.1, NM_001407590.1, NM_001407591.1 and 22 more transcripts); c.3720G>T, p.Arg1240Ser (NM_001407646.1, NM_001407647.1); c.3606G>T, p.Arg1202Ser (NM_001407648.1, NM_001407664.1, NM_001407665.1 and 19 more transcripts); c.3603G>T, p.Arg1201Ser (NM_001407649.1, NM_001407670.1, NM_001407671.1 and 11 more transcripts); c.3651G>T, p.Arg1217Ser (NM_001407653.1, NM_001407654.1, NM_001407655.1 and 4 more transcripts); c.3648G>T, p.Arg1216Ser (NM_001407659.1, NM_001407660.1, NM_001407661.1 and 1 more transcripts); and 41 more; short protein forms R1243S, R1196S, R1242S, R947S, R1116S, R1172S, R1195S, R1201S.
Identifiers: ClinVar variation 1508867 (VCV001508867.12), dbSNP rs2154292175, ClinGen allele CA10594511.

ClinVar aggregate classification (germline): Conflicting classifications of pathogenicity. Review status: criteria provided, conflicting classifications (1 of 4 stars). 3 submissions from 3 submitters: Uncertain significance (2); Likely benign (1). Last evaluated 2026-08-24.

Conditions:
Hereditary cancer-predisposing syndrome. Also called: Hereditary Cancer Syndrome; Tumor predisposition; Neoplastic Syndromes, Hereditary; Hereditary neoplastic syndrome. Identifiers: Orphanet 140162, MedGen C0027672, MeSH D009386, MONDO:0015356.
Hereditary breast ovarian cancer syndrome. Also called: Hereditary breast and ovarian cancer; Hereditary breast and/or ovarian cancer syndrome; Breast and ovarian cancer; Hereditary breast and ovarian cancer syndrome; Hereditary breast and ovarian cancer syndrome (HBOC); BRCA1- and BRCA2-Associated Hereditary Breast and Ovarian Cancer. Identifiers: Orphanet 145, MedGen C0677776, MeSH D061325, MONDO:0003582. Disease mechanism: loss of function.

Submissions (3):

Ambry Genetics
Classification: Uncertain significance for Hereditary cancer-predisposing syndrome. Last evaluated: 2026-08-24. Review status: criteria provided, single submitter. Criteria: Ambry Variant Classification Scheme 2023. Collection method: clinical testing. Allele origin: germline.
Comment: The p.R1243S variant (also known as c.3729G>T), located in coding exon 9 of the BRCA1 gene, results from a G to T substitution at nucleotide position 3729. The arginine at codon 1243 is replaced by serine, an amino acid with dissimilar properties. This amino acid position is conserved. In addition, this alteration is predicted to be tolerated by in silico analysis. Based on the available evidence, the clinical significance of this variant remains unclear.

Labcorp Genetics (formerly Invitae), Labcorp
Classification: Uncertain significance for Hereditary breast ovarian cancer syndrome. Last evaluated: 2025-05-09. Review status: criteria provided, single submitter. Criteria: Invitae Variant Classification Sherloc (09022015). Collection method: clinical testing. Allele origin: germline.
Comment: This sequence change replaces arginine, which is basic and polar, with serine, which is neutral and polar, at codon 1243 of the BRCA1 protein (p.Arg1243Ser). This variant is not present in population databases (gnomAD no frequency). This variant has not been reported in the literature in individuals affected with BRCA1-related conditions. ClinVar contains an entry for this variant (Variation ID: 1508867). Invitae Evidence Modeling of protein sequence and biophysical properties (such as structural, functional, and spatial information, amino acid conservation, physicochemical variation, residue mobility, and thermodynamic stability) indicates that this missense variant is not expected to disrupt BRCA1 protein function with a negative predictive value of 80%. In summary, the available evidence is currently insufficient to determine the role of this variant in disease. Therefore, it has been classified as a Variant of Uncertain Significance.

University of Washington Department of Laboratory Medicine, University of Washington
Classification: Likely benign for Hereditary cancer-predisposing syndrome. Last evaluated: 2023-03-23. Review status: criteria provided, single submitter. Criteria: Dines et al. (Genet Med. 2020). Collection method: curation. Allele origin: germline.
Comment: Missense variant in a coldspot region where missense variants are very unlikely to be pathogenic (PMID:31911673).

BRCA1 coldspot (exon 11 using historical exon numbering). Reclassification based on statistical prior probability